The following is an entry in ClinVar:

ClinVar aggregate classification (germline): Conflicting classifications of pathogenicity. Review status: criteria provided, conflicting classifications (1 of 4 stars). 3 submissions from 3 submitters: Uncertain significance (1); Likely benign (2). Last evaluated 2026-08-01.

Conditions:
Hypohidrotic X-linked ectodermal dysplasia (XHED). Also called: Christ-Siemans-Touraine syndrome; ECTODERMAL DYSPLASIA, HYPOHIDROTIC, 1; CST SYNDROME; Ectodermal Dysplasia 1, Anhidrotic; ECTODERMAL DYSPLASIA 1; Anhidrotic ectodermal dysplasia X-linked. Identifiers: Orphanet 181, Orphanet 238468, MedGen C0162359, MONDO:0010585, OMIM 305100.

Allele frequency attached by ClinVar (database versions not stated): TOPMed 0.00004; ExAC 0.00005; ESP Exome Variant Server 0.00028; gnomAD exomes 0.00001 and 0.00003; gnomAD 0.00002.
gnomAD v4.1: 16 of 1,205,506 alleles (0.0013%); highest among the groups gnomAD compares: Admixed American, 0.011%; no homozygotes.

Submissions (3):

CeGaT Center for Human Genetics Tuebingen
Classification: Likely benign. Last evaluated: 2026-08-01. Review status: criteria provided, single submitter. Criteria: CeGaT Center For Human Genetics Tuebingen Variant Classification Criteria Version 2. Collection method: clinical testing. Allele origin: germline. Affected: yes. Observed: 1 variant allele.
Comment: EDA: BS2

Labcorp Genetics (formerly Invitae), Labcorp
Classification: Likely benign for Hypohidrotic X-linked ectodermal dysplasia. Last evaluated: 2023-07-24. Review status: criteria provided, single submitter. Criteria: Invitae Variant Classification Sherloc (09022015). Collection method: clinical testing. Allele origin: germline.

Blueprint Genetics
Classification: Uncertain significance. Last evaluated: 2023-03-13. Review status: criteria provided, single submitter. Criteria: ACMG Guidelines, 2015. Collection method: clinical testing. Allele origin: germline.

NM_001399.5(EDA):c.1099G>A (p.Ala367Thr)

Gene: EDA (ectodysplasin A; plus strand). Cytogenetic location: Xq13.1.
Variant type: single nucleotide variant.
Coding change: c.1099G>A on transcript NM_001399.5 (MANE Select); coding-DNA position 1099, G replaced by A.
Protein change: p.Ala367Thr; replaces alanine 367 with threonine.
Molecular consequence: missense variant.
Genome position (GRCh38, 1-based): chrX:70,035,532, G>A. VCF-style: chrX-70035532-G-A. GRCh37 (hg19) VCF-style: chrX-69255382-G-A.
Other names: c.1093G>A, p.Ala365Thr (NM_001005609.2); c.1084G>A, p.Ala362Thr (NM_001005612.3); short protein forms A362T, A365T, A367T.
Identifiers: ClinVar variation 1629796 (VCV001629796.10), dbSNP rs368531049, ClinGen allele CA10439050.